The following is an entry in ClinVar:

NM_000135.4(FANCA):c.3935-2A>T

Genes: FANCA (FA complementation group A; minus strand), ZNF276 (zinc finger protein 276; plus strand). Cytogenetic location: 16q24.3.
Variant type: single nucleotide variant.
Coding change: c.3935-2A>T on transcript NM_000135.4 (MANE Select); the canonical splice acceptor site of the intron before coding-DNA position 3935, A replaced by T.
Molecular consequence: splice acceptor variant. On other transcripts: 3 prime UTR variant (2), non-coding transcript variant (4).
Genome position (GRCh38, 1-based): chr16:89,739,555, T>A on the plus strand (A>T on the coding strand, the complement: FANCA is on the minus strand). VCF-style: chr16-89739555-T-A. GRCh37 (hg19) VCF-style: chr16-89805963-T-A.
Other names: c.*1309T>A (NM_001113525.2, NM_152287.4); c.3935-2A>T (NM_001286167.3).
Identifiers: ClinVar variation 1395325 (VCV001395325.8), dbSNP rs1189106357, ClinGen allele CA397484881.
Genomic context (GRCh38, chr16:89,739,555, plus strand): 5'-CAGCAGCCTGGTGTGCTGATCCGGGGCCACACGGAGGAGGAGCCGCCCCAGCCTGAGGTC[T>A]GCAACACCAAGAAGTGGCTCAGGCAACTCTGGACATCTCTGCCTATTATCAGTGCTGGGG-3'

ClinVar aggregate classification (germline): Pathogenic (1 of 4 stars; one submission).

Conditions:
Fanconi anemia (FA). Also called: Fanconi's anemia. Identifiers: Orphanet 84, MedGen C0015625, MeSH D005199, MONDO:0019391.

Submission:

Labcorp Genetics (formerly Invitae), Labcorp
Classification: Pathogenic for Fanconi anemia. Last evaluated: 2021-02-01. Review status: criteria provided, single submitter. Criteria: Invitae Variant Classification Sherloc (09022015). Collection method: clinical testing. Allele origin: germline.
Comment: For these reasons, this variant has been classified as Pathogenic. Algorithms developed to predict the effect of sequence changes on RNA splicing suggest that this variant may disrupt the consensus splice site, but this prediction has not been confirmed by published transcriptional studies. Disruption of this splice site has been observed in individual(s) with Fanconi anemia (Invitae). In at least one individual the data is consistent with the variant being in trans (on the opposite chromosome) from a pathogenic variant This variant is not present in population databases (ExAC no frequency). This sequence change affects an acceptor splice site in intron 39 of the FANCA gene. It is expected to disrupt RNA splicing. Variants that disrupt the donor or acceptor splice site typically lead to a loss of protein function (PMID: 16199547), and loss-of-function variants in FANCA are known to be pathogenic (PMID: 19367192).

Literature cited by the submitters: PubMed 16199547; PubMed 19367192.